The following is an entry in ClinVar:

NM_001267550.2(TTN):c.94286G>A (p.Trp31429Ter)

Genes: TTN-AS1 (TTN antisense RNA 1; plus strand), TTN (titin; minus strand). Cytogenetic location: 2q31.2.
Variant type: single nucleotide variant.
Coding change: c.94286G>A on transcript NM_001267550.2 (MANE Select); coding-DNA position 94286, G replaced by A.
Protein change: p.Trp31429Ter; replaces tryptophan 31429 with a stop codon.
Molecular consequence: nonsense.
Genome position (GRCh38, 1-based): chr2:178,547,239, C>T on the plus strand (G>A on the coding strand, the complement: TTN is on the minus strand). VCF-style: chr2-178547239-C-T. GRCh37 (hg19) VCF-style: chr2-179411966-C-T.
Other names: c.89363G>A, p.Trp29788Ter (NM_001256850.1); c.67091G>A, p.Trp22364Ter (NM_003319.4); c.86582G>A, p.Trp28861Ter (NM_133378.4); c.67466G>A, p.Trp22489Ter (NM_133432.3); c.67667G>A, p.Trp22556Ter (NM_133437.4); short protein forms W22364*, W22489*, W22556*, W28861*, W29788*, W31429*.
Identifiers: ClinVar variation 2570705 (VCV002570705.2), dbSNP rs2469084389, ClinGen allele CA349475705.

ClinVar aggregate classification (germline): Likely pathogenic. Review status: criteria provided, single submitter (1 of 4 stars). 2 submissions from 2 submitters: Likely pathogenic (1). 1 of the submissions does not count toward it. Last evaluated 2025-08-13.

Conditions:
Titinopathy.
Dilated cardiomyopathy 1G (CMD1G). Identifiers: Orphanet 154, MedGen C1858763, MONDO:0011400, OMIM 604145.
Autosomal recessive limb-girdle muscular dystrophy type 2J (LGMDR10). Also called: Limb-girdle muscular dystrophy, type 2J; MUSCULAR DYSTROPHY, LIMB-GIRDLE, AUTOSOMAL RECESSIVE 10. Identifiers: Orphanet 140922, MedGen C1837342, MONDO:0012127, OMIM 608807.

Submissions (2):

Labcorp Genetics (formerly Invitae), Labcorp
Classification: Likely pathogenic for Dilated cardiomyopathy 1G; Autosomal recessive limb-girdle muscular dystrophy type 2J. Last evaluated: 2025-08-13. Review status: criteria provided, single submitter. Criteria: Invitae Variant Classification Sherloc (09022015). Collection method: clinical testing. Allele origin: germline.
Comment: This sequence change creates a premature translational stop signal (p.Trp31429*) in the TTN gene. While this is not anticipated to result in nonsense mediated decay, it is expected to disrupt the last 4563 amino acid(s) of the TTN protein. This variant is not present in population databases (gnomAD no frequency). This variant has not been reported in the literature in individuals affected with TTN-related conditions. ClinVar contains an entry for this variant (Variation ID: 2570705). Algorithms developed to predict the effect of sequence changes on RNA splicing suggest that this variant may disrupt the consensus splice site. This variant is located in the A band of TTN (PMID: 25589632). Truncating variants in this region are significantly overrepresented in patients affected with dilated cardiomyopathy (PMID: 25589632). Truncating variants in this region have also been reported in individuals affected with autosomal recessive centronuclear myopathy (PMID: 23975875). In summary, the currently available evidence indicates that the variant is pathogenic, but additional data are needed to prove that conclusively. Therefore, this variant has been classified as Likely Pathogenic.

Department of Clinical Genetics, Nationwide Children's Hospital
Classification: Likely pathogenic for Titinopathy. Last evaluated: 2015-04-07. Review status: no assertion criteria provided. Collection method: clinical testing. Allele origin: maternal. Affected: yes. Observed: 1 variant allele. Segregation with disease observed. Not counted in ClinVar's aggregate classification.

Literature cited by the submitters: PubMed 25589632 (cited by Labcorp Genetics (formerly Invitae), Labcorp); PubMed 23975875 (cited by Labcorp Genetics (formerly Invitae), Labcorp).